The following is an entry in ClinVar:

NM_003620.4(PPM1D):c.672A>G (p.Glu224=)

Genes: PPM1D (protein phosphatase, Mg2+/Mn2+ dependent 1D; plus strand), LOC129390907 (MPRA-validated peak2930 silencer; plus strand). Cytogenetic location: 17q23.2.
Variant type: single nucleotide variant.
Coding change: c.672A>G on transcript NM_003620.4 (MANE Select); coding-DNA position 672, A replaced by G.
Protein change: p.Glu224=; no amino-acid change (glutamic acid 224 retained).
Molecular consequence: synonymous variant.
Genome position (GRCh38, 1-based): chr17:60,623,720, A>G. VCF-style: chr17-60623720-A-G. GRCh37 (hg19) VCF-style: chr17-58701081-A-G.
Identifiers: ClinVar variation 2672704 (VCV002672704.25), dbSNP rs2544440342, ClinGen allele CA501144625.

ClinVar aggregate classification (germline): Conflicting classifications of pathogenicity. Review status: criteria provided, conflicting classifications (1 of 4 stars). 2 submissions from 2 submitters: Uncertain significance (1); Likely benign (1). Last evaluated 2024-11-13.

Submissions (2):

Labcorp Genetics (formerly Invitae), Labcorp
Classification: Likely benign. Last evaluated: 2024-11-13. Review status: criteria provided, single submitter. Criteria: Invitae Variant Classification Sherloc (09022015). Collection method: clinical testing. Allele origin: germline.

CeGaT Center for Human Genetics Tuebingen
Classification: Uncertain significance. Last evaluated: 2023-11-01. Review status: criteria provided, single submitter. Criteria: CeGaT Center For Human Genetics Tuebingen Variant Classification Criteria Version 2. Collection method: clinical testing. Allele origin: germline. Affected: yes. Observed: 1 variant allele.
Comment: PPM1D: PM2:Supporting, BP4